The following is an entry in ClinVar:

NM_014141.6(CNTNAP2):c.180C>T (p.Pro60=)

Gene: CNTNAP2 (contactin associated protein 2; plus strand). Cytogenetic location: 7q35.
Variant type: single nucleotide variant.
Coding change: c.180C>T on transcript NM_014141.6 (MANE Select); coding-DNA position 180, C replaced by T.
Protein change: p.Pro60=; no amino-acid change (proline 60 retained).
Molecular consequence: synonymous variant.
Genome position (GRCh38, 1-based): chr7:146,774,353, C>T. VCF-style: chr7-146774353-C-T. GRCh37 (hg19) VCF-style: chr7-146471445-C-T.
Identifiers: ClinVar variation 282365 (VCV000282365.19), dbSNP rs753396304, ClinGen allele CA4545713.
Genomic context (GRCh38, chr7:146,774,353, plus strand): 5'-CTCTGGACTCCCCCATGTGGCTTTCAGCAGCTCCTCCTCCATCTCTGGTAGCTATTCTCC[C>T]GGCTATGCCAAGATAAACAAGAGAGGAGGTAAGCCAAATTTTGATTCTTTTATCAATAAA-3'
Protein context (NP_054860.1, residues 50-70): SSSSISGSYS[Pro60=]GYAKINKRGG

ClinVar aggregate classification (germline): Conflicting classifications of pathogenicity. Review status: criteria provided, conflicting classifications (1 of 4 stars). 5 submissions from 5 submitters: Uncertain significance (1); Likely benign (3). 1 of the submissions does not count toward it. Last evaluated 2025-12-29.

Conditions:
CNTNAP2-related disorder. Also called: CNTNAP2-related condition.
Cortical dysplasia-focal epilepsy syndrome (PTHSL1). Also called: Pitt-Hopkins-like syndrome 1. Identifiers: Orphanet 163681, Orphanet 221150, MedGen C2750246, MONDO:0012400, OMIM 610042.

Allele frequency attached by ClinVar (database versions not stated): TOPMed 0.00001; gnomAD exomes 0.00002 and 0.00003; ExAC 0.00003; gnomAD 0.00003.
gnomAD v4.1: 36 of 1,613,752 alleles (0.0022%); highest among the groups gnomAD compares: East Asian, 0.0045%; no homozygotes.

Submissions (5):

Labcorp Genetics (formerly Invitae), Labcorp
Classification: Likely benign for Cortical dysplasia-focal epilepsy syndrome. Last evaluated: 2025-12-29. Review status: criteria provided, single submitter. Criteria: Invitae Variant Classification Sherloc (09022015). Collection method: clinical testing. Allele origin: germline.

Blueprint Genetics
Classification: Likely benign. Last evaluated: 2023-10-17. Review status: criteria provided, single submitter. Criteria: ACMG Guidelines, 2015. Collection method: clinical testing. Allele origin: germline.

GeneDx
Classification: Likely benign. Last evaluated: 2018-11-02. Review status: criteria provided, single submitter. Criteria: GeneDx Variant Classification Process June 2021. Collection method: clinical testing. Allele origin: germline. Affected: yes.

Eurofins Ntd Llc (ga)
Classification: Uncertain significance. Last evaluated: 2015-08-06. Review status: criteria provided, single submitter. Criteria: EGL Classification Definitions 2015. Collection method: clinical testing. Allele origin: germline. Observed: 1 variant allele, 1 heterozygote.

PreventionGenetics, part of Exact Sciences
Classification: Likely benign for CNTNAP2-related condition. Last evaluated: 2022-03-18. Review status: no assertion criteria provided. Collection method: clinical testing. Allele origin: germline. Not counted in ClinVar's aggregate classification.
Comment: This variant is classified as likely benign based on ACMG/AMP sequence variant interpretation guidelines (Richards et al. 2015 PMID: 25741868, with internal and published modifications).